The following is an entry in ClinVar:

ClinVar aggregate classification (germline): Uncertain significance. Review status: criteria provided, multiple submitters, no conflicts (2 of 4 stars). 2 submissions from 2 submitters: Uncertain significance (2). Last evaluated 2022-11-28.

Conditions:
Cardiovascular phenotype. Identifiers: MedGen CN230736.
Hereditary cancer-predisposing syndrome. Also called: Neoplastic Syndromes, Hereditary; Hereditary Cancer Syndrome; Tumor predisposition; Hereditary neoplastic syndrome. Identifiers: Orphanet 140162, MedGen C0027672, MeSH D009386, MONDO:0015356.
Neurofibromatosis, type 1 (NF1). Also called: NEUROFIBROMATOSIS, TYPE I, SOMATIC; VON RECKLINGHAUSEN DISEASE; Peripheral type neurofibromatosis; Neurofibromatosis, type I. Identifiers: Orphanet 636, MedGen C0027831, MONDO:0018975, OMIM 162200. Disease mechanism: loss of function.

Submissions (2):

Labcorp Genetics (formerly Invitae), Labcorp
Classification: Uncertain significance for Neurofibromatosis, type 1. Last evaluated: 2022-11-28. Review status: criteria provided, single submitter. Criteria: Invitae Variant Classification Sherloc (09022015). Collection method: clinical testing. Allele origin: germline.
Comment: This sequence change replaces isoleucine, which is neutral and non-polar, with valine, which is neutral and non-polar, at codon 2108 of the NF1 protein (p.Ile2108Val). This variant is not present in population databases (gnomAD no frequency). This variant has not been reported in the literature in individuals affected with NF1-related conditions. ClinVar contains an entry for this variant (Variation ID: 1471238). Advanced modeling of protein sequence and biophysical properties (such as structural, functional, and spatial information, amino acid conservation, physicochemical variation, residue mobility, and thermodynamic stability) has been performed at Invitae for this missense variant, however the output from this modeling did not meet the statistical confidence thresholds required to predict the impact of this variant on NF1 protein function. In summary, the available evidence is currently insufficient to determine the role of this variant in disease. Therefore, it has been classified as a Variant of Uncertain Significance.

Ambry Genetics
Classification: Uncertain significance for Cardiovascular phenotype; Hereditary cancer-predisposing syndrome. Last evaluated: 2020-07-22. Review status: criteria provided, single submitter. Criteria: Ambry Variant Classification Scheme 2023. Collection method: clinical testing. Allele origin: germline.
Comment: The p.I2108V variant (also known as c.6322A>G), located in coding exon 41 of the NF1 gene, results from an A to G substitution at nucleotide position 6322. The isoleucine at codon 2108 is replaced by valine, an amino acid with highly similar properties. This amino acid position is highly conserved in available vertebrate species. In addition, the in silico prediction for this alteration is inconclusive. Since supporting evidence is limited at this time, the clinical significance of this alteration remains unclear.

NM_001042492.3(NF1):c.6385A>G (p.Ile2129Val)

Gene: NF1 (neurofibromin 1; plus strand). Cytogenetic location: 17q11.2.
Variant type: single nucleotide variant.
Coding change: c.6385A>G on transcript NM_001042492.3 (MANE Select); coding-DNA position 6385, A replaced by G.
Protein change: p.Ile2129Val; replaces isoleucine 2129 with valine.
Molecular consequence: missense variant.
Genome position (GRCh38, 1-based): chr17:31,336,872, A>G. VCF-style: chr17-31336872-A-G. GRCh37 (hg19) VCF-style: chr17-29663890-A-G.
Other names: c.6322A>G, p.Ile2108Val (NM_000267.4); short protein forms I2108V, I2129V.
Identifiers: ClinVar variation 1471238 (VCV001471238.10), dbSNP rs2151555054, ClinGen allele CA399012874.